The following is an entry in ClinVar:

ClinVar aggregate classification (germline): Uncertain significance (1 of 4 stars; one submission).

Allele frequency attached by ClinVar (database versions not stated): TOPMed 0.00001; gnomAD 0.00002; gnomAD exomes 0.00005; ExAC 0.00026.
gnomAD v4.1: 75 of 1,590,502 alleles (0.0047%); highest among the groups gnomAD compares: Non-Finnish European, 0.0061%; no homozygotes.

Submission:

Labcorp Genetics (formerly Invitae), Labcorp
Classification: Uncertain significance. Last evaluated: 2022-09-13. Review status: criteria provided, single submitter. Criteria: Invitae Variant Classification Sherloc (09022015). Collection method: clinical testing. Allele origin: germline.
Comment: In summary, the available evidence is currently insufficient to determine the role of this variant in disease. Therefore, it has been classified as a Variant of Uncertain Significance. Algorithms developed to predict the effect of missense changes on protein structure and function (SIFT, PolyPhen-2, Align-GVGD) all suggest that this variant is likely to be tolerated. This variant has not been reported in the literature in individuals affected with FUK-related conditions. This variant is present in population databases (rs760928009, gnomAD 0.01%). This sequence change replaces proline, which is neutral and non-polar, with leucine, which is neutral and non-polar, at codon 502 of the FUK protein (p.Pro502Leu).

NM_145059.3(FCSK):c.1505C>T (p.Pro502Leu)

Gene: FCSK (fucose kinase; plus strand). Cytogenetic location: 16q22.1.
Variant type: single nucleotide variant.
Coding change: c.1505C>T on transcript NM_145059.3 (MANE Select); coding-DNA position 1505, C replaced by T.
Protein change: p.Pro502Leu; replaces proline 502 with leucine.
Molecular consequence: missense variant.
Genome position (GRCh38, 1-based): chr16:70,473,081, C>T. VCF-style: chr16-70473081-C-T. GRCh37 (hg19) VCF-style: chr16-70506984-C-T.
Other names: short protein forms P502L.
Identifiers: ClinVar variation 1910044 (VCV001910044.5), dbSNP rs760928009, ClinGen allele CA8143365.